The following is an entry in ClinVar:

NM_000298.6(PKLR):c.804C>T (p.Asp268=)

Gene: PKLR (pyruvate kinase L/R; minus strand). Cytogenetic location: 1q22.
Variant type: single nucleotide variant.
Coding change: c.804C>T on transcript NM_000298.6 (MANE Select); coding-DNA position 804, C replaced by T.
Protein change: p.Asp268=; no amino-acid change (aspartic acid 268 retained).
Molecular consequence: synonymous variant.
Genome position (GRCh38, 1-based): chr1:155,294,643, G>A on the plus strand (C>T on the coding strand, the complement: PKLR is on the minus strand). VCF-style: chr1-155294643-G-A. GRCh37 (hg19) VCF-style: chr1-155264434-G-A.
Other names: c.711C>T, p.Asp237= (NM_181871.4).
Identifiers: ClinVar variation 4822034 (VCV004822034.4).

ClinVar aggregate classification (germline): Likely benign (1 of 4 stars; one submission).

gnomAD v4.1: 112 of 1,614,182 alleles (0.0069%); highest among the groups gnomAD compares: South Asian, 0.12%; no homozygotes.

Submission:

CeGaT Center for Human Genetics Tuebingen
Classification: Likely benign. Last evaluated: 2026-01-01. Review status: criteria provided, single submitter. Criteria: CeGaT Center For Human Genetics Tuebingen Variant Classification Criteria Version 2. Collection method: clinical testing. Allele origin: germline. Affected: yes. Observed: 1 variant allele.
Comment: PKLR: BP4, BP7